The following is an entry in ClinVar:

ClinVar aggregate classification (germline): Uncertain significance (1 of 4 stars; one submission).

Conditions:
Cystic fibrosis (CF). Also called: MUCOVISCIDOSIS. Identifiers: Orphanet 586, MedGen C0010674, MONDO:0009061, OMIM 219700. Disease mechanism: loss of function.

gnomAD v4.1: 3 of 1,613,424 alleles (0.00019%); highest among the groups gnomAD compares: Non-Finnish European, 0.00025%; no homozygotes.

Submission:

Ambry Genetics
Classification: Uncertain significance for Cystic fibrosis. Last evaluated: 2023-07-12. Review status: criteria provided, single submitter. Criteria: Ambry Variant Classification Scheme 2023. Collection method: clinical testing. Allele origin: germline.
Comment: The p.S431R variant (also known as c.1291A>C), located in coding exon 10 of the CFTR gene, results from an A to C substitution at nucleotide position 1291. The serine at codon 431 is replaced by arginine, an amino acid with dissimilar properties. This amino acid position is conserved. In addition, the in silico prediction for this alteration is inconclusive. Since supporting evidence is limited at this time, the clinical significance of this alteration remains unclear.

NM_000492.4(CFTR):c.1291A>C (p.Ser431Arg)

Genes: CFTR (CF transmembrane conductance regulator; plus strand), CFTR-AS1 (CFTR antisense RNA 1; minus strand). Cytogenetic location: 7q31.2.
Variant type: single nucleotide variant.
Coding change: c.1291A>C on transcript NM_000492.4 (MANE Select); coding-DNA position 1291, A replaced by C.
Protein change: p.Ser431Arg; replaces serine 431 with arginine.
Molecular consequence: missense variant.
Genome position (GRCh38, 1-based): chr7:117,548,722, A>C. VCF-style: chr7-117548722-A-C. GRCh37 (hg19) VCF-style: chr7-117188776-A-C.
Other names: short protein forms S431R.
Identifiers: ClinVar variation 2624959 (VCV002624959.2), dbSNP rs772853317, ClinGen allele CA368981709.